The following is an entry in ClinVar:

NM_006031.6(PCNT):c.3747G>A (p.Val1249=)

Gene: PCNT (pericentrin; plus strand). Cytogenetic location: 21q22.3.
Variant type: single nucleotide variant.
Coding change: c.3747G>A on transcript NM_006031.6 (MANE Select); coding-DNA position 3747, G replaced by A.
Protein change: p.Val1249=; no amino-acid change (valine 1249 retained).
Molecular consequence: synonymous variant.
Genome position (GRCh38, 1-based): chr21:46,389,338, G>A. VCF-style: chr21-46389338-G-A. GRCh37 (hg19) VCF-style: chr21-47809253-G-A.
Other names: c.3393G>A, p.Val1131= (NM_001315529.2).
Identifiers: ClinVar variation 3025786 (VCV003025786.22), dbSNP rs141990309, ClinGen allele CA10079433.

ClinVar aggregate classification (germline): Likely benign (1 of 4 stars; one submission).

Allele frequency attached by ClinVar (database versions not stated): ExAC 0.00001.

Submission:

CeGaT Center for Human Genetics Tuebingen
Classification: Likely benign. Last evaluated: 2023-12-01. Review status: criteria provided, single submitter. Criteria: CeGaT Center For Human Genetics Tuebingen Variant Classification Criteria Version 2. Collection method: clinical testing. Allele origin: germline. Affected: yes. Observed: 1 variant allele.
Comment: PCNT: BP4, BP7